The following is an entry in ClinVar:

NM_001040716.2(PC):c.3377_3392del (p.Val1126fs)

Gene: PC (pyruvate carboxylase; minus strand). Cytogenetic location: 11q13.2.
Variant type: Deletion.
Coding change: c.3377_3392del on transcript NM_001040716.2 (MANE Select); coding-DNA positions 3377 to 3392, 16 bases deleted (TGGCAGGGGCCAAGGT).
Protein change: p.Val1126fs; shifts the reading frame from valine 1126.
Molecular consequence: frameshift variant.
Genome position (GRCh38, 1-based): chr11:66,849,044-66,849,059, ACCTTGGCCCCTGCCA deleted on the plus strand (TGGCAGGGGCCAAGGT on the coding strand, the reverse complement: PC is on the minus strand). VCF-style (leftmost placement, unchanged base first): chr11-66849043-CACCTTGGCCCCTGCCA-C. GRCh37 (hg19) VCF-style: chr11-66616514-CACCTTGGCCCCTGCCA-C.
Other names: c.3377_3392del, p.Val1126fs (NM_000920.4, NM_022172.3); short protein forms V1126fs.
Identifiers: ClinVar variation 2737891 (VCV002737891.3), dbSNP rs2495378431, ClinGen allele CA2697548744.
Genomic context (GRCh38, chr11:66,849,043, plus strand): 5'-TGAGGTCACCACAGTCTCCATCTTCATGGCACTGAGCACACACAGGGGCTGGCCCTTGGC[CACCTTGGCCCCTGCCA>C]CCACTTTGATGTCTATCACCTTCCCAGGCATGGGCGCCCCGATCTGGCCCTTCACGTCCT-3'

ClinVar aggregate classification (germline): Pathogenic (1 of 4 stars; one submission).

Conditions:
Pyruvate carboxylase deficiency. Also called: ATAXIA WITH LACTIC ACIDOSIS II; LEIGH NECROTIZING ENCEPHALOPATHY DUE TO PYRUVATE CARBOXYLASE DEFICIENCY; LEIGH SYNDROME DUE TO PYRUVATE CARBOXYLASE DEFICIENCY; PC DEFICIENCY; Pyruvate Carboxylase Deficiency Disease. Identifiers: Orphanet 3008, MedGen C0034341, MONDO:0009949, OMIM 266150.

Submission:

Labcorp Genetics (formerly Invitae), Labcorp
Classification: Pathogenic for Pyruvate carboxylase deficiency. Last evaluated: 2023-07-07. Review status: criteria provided, single submitter. Criteria: Invitae Variant Classification Sherloc (09022015). Collection method: clinical testing. Allele origin: germline.
Comment: For these reasons, this variant has been classified as Pathogenic. This variant disrupts a region of the PC protein in which other variant(s) (p.Leu1137Valfs*34) have been determined to be pathogenic (PMID: 23430542). This suggests that this is a clinically significant region of the protein, and that variants that disrupt it are likely to be disease-causing. This variant has not been reported in the literature in individuals affected with PC-related conditions. This variant is not present in population databases (gnomAD no frequency). This sequence change creates a premature translational stop signal (p.Val1126Glyfs*13) in the PC gene. While this is not anticipated to result in nonsense mediated decay, it is expected to disrupt the last 53 amino acid(s) of the PC protein.

Literature cited by the submitters: PubMed 23430542.